The following is an entry in ClinVar:

ClinVar aggregate classification (germline): Pathogenic (1 of 4 stars; one submission).

Conditions:
CHARGE syndrome (CHARGE). Also called: Coloboma, heart anomaly, choanal atresia, retardation, genital and ear anomalies; CHARGE association; Hall-Hittner syndrome; Hittner Hirsch Kreh syndrome; CHARGE ASSOCIATION--COLOBOMA, HEART ANOMALY, CHOANAL ATRESIA, RETARDATION, GENITAL AND EAR ANOMALIES. Identifiers: Orphanet 138, MedGen C0265354, MONDO:0008965.

Submission:

Labcorp Genetics (formerly Invitae), Labcorp
Classification: Pathogenic for CHARGE association. Last evaluated: 2018-10-16. Review status: criteria provided, single submitter. Criteria: Invitae Variant Classification Sherloc (09022015). Collection method: clinical testing. Allele origin: germline.
Comment: This sequence change creates a premature translational stop signal (p.Leu1432Argfs*4) in the CHD7 gene. It is expected to result in an absent or disrupted protein product. This variant is not present in population databases (ExAC no frequency). This variant has been observed in an individual with CHARGE syndrome (PMID:Â¬â€ 22461308). Loss-of-function variants in CHD7 are known to be pathogenic (PMID: 22461308, 25077900). For these reasons, this variant has been classified as Pathogenic.

NM_017780.4(CHD7):c.4295_4296del (p.Leu1432fs)

Gene: CHD7 (chromodomain helicase DNA binding protein 7; plus strand). Cytogenetic location: 8q12.2.
Variant type: Deletion.
Coding change: c.4295_4296del on transcript NM_017780.4 (MANE Select); coding-DNA positions 4295 to 4296, 2 bases deleted (TG; older notation c.4295_4296delTG).
Protein change: p.Leu1432fs; shifts the reading frame from leucine 1432.
Molecular consequence: frameshift variant. On other transcripts: intron variant (1).
Genome position (GRCh38, 1-based): chr8:60,837,777-60,837,778, TG deleted. VCF-style (leftmost placement, unchanged base first): chr8-60837776-CTG-C. GRCh37 (hg19) VCF-style: chr8-61750335-CTG-C.
Other names: c.1717-24452_1717-24451del (NM_001316690.1); short protein forms L1432fs.
Identifiers: ClinVar variation 645093 (VCV000645093.1), dbSNP rs1586419497, ClinGen allele CA915945698.
Genomic context (GRCh38, chr8:60,837,776, plus strand): 5'-TACAGGCTGATTACAAGAAATTCCTATGAAAGGGAAATGTTCGACAAGGCTAGTTTGAAA[CTG>C]GGCCTGGATAAAGCTGTGCTACAGTCTATGAGTGGAAGAGAAAATGCTACCAATGGGGTA-3'